The following is an entry in ClinVar:

ClinVar aggregate classification (germline): Uncertain significance. Review status: criteria provided, multiple submitters, no conflicts (2 of 4 stars). 2 submissions from 2 submitters: Uncertain significance (2). Last evaluated 2025-10-17.

Conditions:
Inborn genetic diseases. Identifiers: MedGen C0950123, MeSH D030342.

gnomAD v4.1: 50 of 1,614,218 alleles (0.0031%); highest among the groups gnomAD compares: African/African-American, 0.02%; no homozygotes.

Submissions (2):

Ambry Genetics
Classification: Uncertain significance for Inborn genetic diseases. Last evaluated: 2025-10-17. Review status: criteria provided, single submitter. Criteria: Ambry Variant Classification Scheme 2023. Collection method: clinical testing. Allele origin: germline.

Labcorp Genetics (formerly Invitae), Labcorp
Classification: Uncertain significance. Last evaluated: 2025-03-25. Review status: criteria provided, single submitter. Criteria: Invitae Variant Classification Sherloc (09022015). Collection method: clinical testing. Allele origin: germline.
Comment: This sequence change replaces arginine, which is basic and polar, with tryptophan, which is neutral and slightly polar, at codon 906 of the TOP3A protein (p.Arg906Trp). This variant is present in population databases (rs113650896, gnomAD 0.004%). This variant has not been reported in the literature in individuals affected with TOP3A-related conditions. An algorithm developed to predict the effect of missense changes on protein structure and function (PolyPhen-2) suggests that this variant is likely to be tolerated. In summary, the available evidence is currently insufficient to determine the role of this variant in disease. Therefore, it has been classified as a Variant of Uncertain Significance.

NM_004618.5(TOP3A):c.2716C>T (p.Arg906Trp)

Gene: TOP3A (DNA topoisomerase III alpha; minus strand). Cytogenetic location: 17p11.2.
Variant type: single nucleotide variant.
Coding change: c.2716C>T on transcript NM_004618.5 (MANE Select); coding-DNA position 2716, C replaced by T.
Protein change: p.Arg906Trp; replaces arginine 906 with tryptophan.
Molecular consequence: missense variant.
Genome position (GRCh38, 1-based): chr17:18,277,786, G>A on the plus strand (C>T on the coding strand, the complement: TOP3A is on the minus strand). VCF-style: chr17-18277786-G-A. GRCh37 (hg19) VCF-style: chr17-18181100-G-A.
Other names: c.2431C>T, p.Arg811Trp (NM_001320759.2); short protein forms R811W, R906W.
Identifiers: ClinVar variation 4633410 (VCV004633410.2).
Genomic context (GRCh38, chr17:18,277,786, plus strand): 5'-TCGGCTTGGCACATGTGTGGAACTGGCGCCCCTTGTTGGGTCCATCCTTCTGCACAGTCC[G>A]TGTGACGGAGGGCTGGCTGCAAAGGCAGGATGTGCCACTACCACTGCCATCACCAGGGTT-3'
Protein context (NP_004609.1, residues 896-916): SCLCSQPSVT[Arg906Trp]TVQKDGPNKG